The following is an entry in ClinVar:

NM_001378615.1(CC2D2A):c.124-6C>T

Genes: CC2D2A (coiled-coil and C2 domain containing 2A; plus strand), FBXL5 (F-box and leucine rich repeat protein 5; minus strand). Cytogenetic location: 4p15.32.
Variant type: single nucleotide variant.
Coding change: c.124-6C>T on transcript NM_001378615.1 (MANE Select); 6 bases into the intron before coding-DNA position 124, C replaced by T.
Molecular consequence: intron variant.
Genome position (GRCh38, 1-based): chr4:15,480,698, C>T. VCF-style: chr4-15480698-C-T. GRCh37 (hg19) VCF-style: chr4-15482322-C-T.
Other names: p.?; c.124-6C>T (NM_001080522.2, NM_001164720.3); c.230-6C>T (NM_020785.2); c.-24-6C>T (NM_001378617.1).
Identifiers: ClinVar variation 93531 (VCV000093531.34), dbSNP rs1861049, ClinGen allele CA147033.

ClinVar aggregate classification (germline): Benign/Likely benign. Review status: criteria provided, multiple submitters, no conflicts (2 of 4 stars). 13 submissions from 12 submitters: Benign (9); Likely benign (1). 3 of the submissions do not count toward it. Last evaluated 2026-02-04.

Conditions:
Meckel syndrome, type 6. Identifiers: Orphanet 564, MedGen C2676790, MONDO:0012848, OMIM 612284.
Joubert syndrome 9 (JBTS9). Identifiers: Orphanet 2318, MedGen C2676788, MONDO:0012849, OMIM 612285.
Joubert syndrome. Also called: Familial aplasia of the vermis; JOUBERT-BOLTSHAUSER SYNDROME. Identifiers: Orphanet 475, MedGen C5979921, MONDO:0018772.
Meckel-Gruber syndrome. Also called: DYSENCEPHALIA SPLANCHNOCYSTICA; GRUBER SYNDROME; Dysencephalia splachnocystica. Identifiers: Orphanet 564, MedGen C0265215, MONDO:0018921.

Allele frequency attached by ClinVar (database versions not stated): gnomAD exomes 0.06056 and 0.11038; ExAC 0.12809; ESP Exome Variant Server 0.15012; gnomAD 0.15686; TOPMed 0.18985; 1000 Genomes Project 0.23083; 1000 Genomes Project 30x 0.24079.
gnomAD v4.1: 114,497 of 1,606,312 alleles (7.1%); highest among the groups gnomAD compares: African/African-American, 42%; 11,290 homozygotes.

Submissions (13):

Labcorp Genetics (formerly Invitae), Labcorp
Classification: Benign for Joubert syndrome; Meckel-Gruber syndrome. Last evaluated: 2026-02-04. Review status: criteria provided, single submitter. Criteria: Invitae Variant Classification Sherloc (09022015). Collection method: clinical testing. Allele origin: germline.

Blueprint Genetics
Classification: Likely benign. Last evaluated: 2024-11-26. Review status: criteria provided, single submitter. Criteria: ACMG Guidelines, 2015. Collection method: clinical testing. Allele origin: germline.

Athena Diagnostics
Classification: Benign. Last evaluated: 2023-10-09. Review status: criteria provided, single submitter. Criteria: Athena Diagnostics Criteria. Collection method: clinical testing. Allele origin: unknown.

Mayo Clinic Laboratories, Mayo Clinic
Classification: Benign. Last evaluated: 2022-05-05. Review status: criteria provided, single submitter. Criteria: ACMG Guidelines, 2015. Collection method: clinical testing. Allele origin: germline. Observed: 252 variant alleles.

Illumina Laboratory Services, Illumina
Classification: Benign for Joubert syndrome 9. Last evaluated: 2018-01-13. Review status: criteria provided, single submitter. Criteria: ICSL Variant Classification Criteria 13 December 2019. Collection method: clinical testing. Allele origin: germline.
Comment: This variant was observed in the ICSL laboratory as part of a predisposition screen in an ostensibly healthy population. It had not been previously curated by ICSL or reported in the Human Gene Mutation Database (HGMD: prior to June 1st, 2018), and was therefore a candidate for classification through an automated scoring system. Utilizing variant allele frequency, disease prevalence and penetrance estimates, and inheritance mode, an automated score was calculated to assess if this variant is too frequent to cause the disease. Based on the score and internal cut-off values, a variant classified as benign is not then subjected to further curation. The score for this variant resulted in a classification of benign for this disease.

Illumina Laboratory Services, Illumina
Classification: Benign for Meckel syndrome, type 6. Last evaluated: 2018-01-13. Review status: criteria provided, single submitter. Criteria: ICSL Variant Classification Criteria 13 December 2019. Collection method: clinical testing. Allele origin: germline.
Comment: the same text as in the submission from Illumina Laboratory Services, Illumina above.

GeneDx
Classification: Benign. Last evaluated: 2015-03-03. Review status: criteria provided, single submitter. Criteria: GeneDx Variant Classification Process June 2021. Collection method: clinical testing. Allele origin: germline. Affected: yes.

Eurofins Ntd Llc (ga)
Classification: Benign. Last evaluated: 2013-09-17. Review status: criteria provided, single submitter. Criteria: EGL Classification Definitions 2015. Collection method: clinical testing. Allele origin: germline. Observed: 2 variant alleles, 2 heterozygotes.

Breakthrough Genomics
Classification: Benign. Review status: criteria provided, single submitter. Criteria: ACMG Guidelines, 2015. Collection method: not provided. Allele origin: germline. Inheritance: Autosomal recessive inheritance. Affected: yes.

PreventionGenetics, part of Exact Sciences
Classification: Benign. Review status: criteria provided, single submitter. Criteria: ACMG Guidelines, 2015. Collection method: clinical testing. Allele origin: germline.

Clinical Genetics DNA and cytogenetics Diagnostics Lab, Erasmus MC, Erasmus Medical Center
Classification: Benign. Review status: no assertion criteria provided. Collection method: clinical testing. Allele origin: germline. Affected: yes. Study: VKGL Data-share Consensus. Not counted in ClinVar's aggregate classification.

Genetic Services Laboratory, University of Chicago
Classification: Likely benign for AllHighlyPenetrant. Review status: no assertion criteria provided. Collection method: clinical testing. Allele origin: germline. Inheritance: Autosomal recessive inheritance. Observed: 135 variant alleles. Not counted in ClinVar's aggregate classification.
Comment: Likely benign based on allele frequency in 1000 Genomes Project or ESP global frequency and its presence in a patient with a rare or unrelated disease phenotype. NOT Sanger confirmed.

Joint Genome Diagnostic Labs from Nijmegen and Maastricht, Radboudumc and MUMC+
Classification: Benign. Review status: no assertion criteria provided. Collection method: clinical testing. Allele origin: germline. Affected: yes. Study: VKGL Data-share Consensus. Not counted in ClinVar's aggregate classification.